The following is an entry in ClinVar:

NM_170606.3(KMT2C):c.7077G>A (p.Val2359=)

Gene: KMT2C (lysine methyltransferase 2C; minus strand). Cytogenetic location: 7q36.1.
Variant type: single nucleotide variant.
Coding change: c.7077G>A on transcript NM_170606.3 (MANE Select); coding-DNA position 7077, G replaced by A.
Protein change: p.Val2359=; no amino-acid change (valine 2359 retained).
Molecular consequence: synonymous variant.
Genome position (GRCh38, 1-based): chr7:152,180,783, C>T on the plus strand (G>A on the coding strand, the complement: KMT2C is on the minus strand). VCF-style: chr7-152180783-C-T. GRCh37 (hg19) VCF-style: chr7-151877868-C-T.
Other names: c.7077G>A (NM_170606.2).
Identifiers: ClinVar variation 1451797 (VCV001451797.12), dbSNP rs201191473, ClinGen allele CA4579956.

ClinVar aggregate classification (germline): Likely benign. Review status: criteria provided, multiple submitters, no conflicts (2 of 4 stars). 4 submissions from 4 submitters: Likely benign (3). 1 of the submissions does not count toward it. Last evaluated 2026-07-01.

Conditions:
KMT2C-related disorder. Also called: KMT2C-related disorders; KMT2C-related condition.

Allele frequency attached by ClinVar (database versions not stated): gnomAD 0.00001; gnomAD exomes 0.00002 and 0.00006; TOPMed 0.00003; ExAC 0.00007; 1000 Genomes Project 30x 0.00016; 1000 Genomes Project 0.00020.
gnomAD v4.1: 15 of 1,614,110 alleles (0.00093%); highest among the groups gnomAD compares: Admixed American, 0.025%; no homozygotes.

Submissions (4):

CeGaT Center for Human Genetics Tuebingen
Classification: Likely benign. Last evaluated: 2026-07-01. Review status: criteria provided, single submitter. Criteria: CeGaT Center For Human Genetics Tuebingen Variant Classification Criteria Version 2. Collection method: clinical testing. Allele origin: germline. Affected: yes. Observed: 1 variant allele.
Comment: KMT2C: BP4, BP7

Labcorp Genetics (formerly Invitae), Labcorp
Classification: Likely benign. Last evaluated: 2024-01-05. Review status: criteria provided, single submitter. Criteria: Invitae Variant Classification Sherloc (09022015). Collection method: clinical testing. Allele origin: germline.

Blueprint Genetics
Classification: Likely benign. Last evaluated: 2019-11-21. Review status: criteria provided, single submitter. Criteria: ACMG Guidelines, 2015. Collection method: clinical testing. Allele origin: germline.

PreventionGenetics, part of Exact Sciences
Classification: Likely benign for KMT2C-related condition. Last evaluated: 2022-11-29. Review status: no assertion criteria provided. Collection method: clinical testing. Allele origin: germline. Not counted in ClinVar's aggregate classification.
Comment: This variant is classified as likely benign based on ACMG/AMP sequence variant interpretation guidelines (Richards et al. 2015 PMID: 25741868, with internal and published modifications).